The following is an entry in ClinVar:

NM_002633.3(PGM1):c.1087G>C (p.Gly363Arg)

Gene: PGM1 (phosphoglucomutase 1; plus strand). Cytogenetic location: 1p31.3.
Variant type: single nucleotide variant.
Coding change: c.1087G>C on transcript NM_002633.3 (MANE Select); coding-DNA position 1087, G replaced by C.
Protein change: p.Gly363Arg; replaces glycine 363 with arginine.
Molecular consequence: missense variant.
Genome position (GRCh38, 1-based): chr1:63,638,743, G>C. VCF-style: chr1-63638743-G-C. GRCh37 (hg19) VCF-style: chr1-64104414-G-C.
Other names: c.1141G>C, p.Gly381Arg (NM_001172818.1); c.496G>C, p.Gly166Arg (NM_001172819.2); short protein forms G166R, G363R, G381R.
Identifiers: ClinVar variation 3602832 (VCV003602832.1).
Genomic context (GRCh38, chr1:63,638,743, plus strand): 5'-AGGGTGGCTAGTGCTACAAAGATTGCTTTGTATGAGACCCCAACTGGCTGGAAGTTTTTT[G>C]GGAATTTGATGGACGCGAGCAAACTGTCCCTTTGTGGGGAGGAGAGCTTCGGGACCGGTA-3'
Protein context (NP_002624.2, residues 353-373): YETPTGWKFF[Gly363Arg]NLMDASKLSL

ClinVar aggregate classification (germline): Uncertain significance (1 of 4 stars; one submission).

gnomAD v4.1: 3 of 1,613,946 alleles (0.00019%); highest among the groups gnomAD compares: African/African-American, 0.0013%; no homozygotes.

Submission:

GeneDx
Classification: Uncertain significance. Last evaluated: 2024-08-07. Review status: criteria provided, single submitter. Criteria: GeneDx Variant Classification Process June 2021. Collection method: clinical testing. Allele origin: germline. Affected: yes.
Comment: Not observed at significant frequency in large population cohorts (gnomAD); In silico analysis supports that this missense variant has a deleterious effect on protein structure/function; Has not been previously published as pathogenic or benign to our knowledge